The following is an entry in ClinVar:

NM_001365951.3(KIF1B):c.3031C>G (p.Gln1011Glu)

Gene: KIF1B (kinesin family member 1B; plus strand). Cytogenetic location: 1p36.22.
Variant type: single nucleotide variant.
Coding change: c.3031C>G on transcript NM_001365951.3 (MANE Select); coding-DNA position 3031, C replaced by G.
Protein change: p.Gln1011Glu; replaces glutamine 1011 with glutamic acid.
Molecular consequence: missense variant.
Genome position (GRCh38, 1-based): chr1:10,334,626, C>G. VCF-style: chr1-10334626-C-G. GRCh37 (hg19) VCF-style: chr1-10394684-C-G.
Other names: c.3031C>G, p.Gln1011Glu (NM_001365952.1); c.2893C>G, p.Gln965Glu (NM_015074.3); short protein forms Q1011E, Q965E.
Identifiers: ClinVar variation 3226425 (VCV003226425.2), dbSNP rs2521700973, ClinGen allele CA338338847.

ClinVar aggregate classification (germline): Uncertain significance. Review status: criteria provided, multiple submitters, no conflicts (2 of 4 stars). 2 submissions from 2 submitters: Uncertain significance (2). Last evaluated 2023-12-07.

Submissions (2):

Ambry Genetics
Classification: Uncertain significance. Last evaluated: 2023-12-07. Review status: criteria provided, single submitter. Criteria: Ambry Variant Classification Scheme 2023. Collection method: clinical testing. Allele origin: germline.
Comment: The p.Q965E variant (also known as c.2893C>G), located in coding exon 25 of the KIF1B gene, results from a C to G substitution at nucleotide position 2893. The glutamine at codon 965 is replaced by glutamic acid, an amino acid with highly similar properties. This amino acid position is conserved. In addition, the in silico prediction for this alteration is inconclusive. Since supporting evidence is limited at this time, the clinical significance of this alteration remains unclear.

Blueprint Genetics
Classification: Uncertain significance. Last evaluated: 2019-01-01. Review status: criteria provided, single submitter. Criteria: ACMG Guidelines, 2015. Collection method: clinical testing. Allele origin: germline.